The following is an entry in ClinVar:

NM_005720.4(ARPC1B):c.266C>T (p.Thr89Met)

Gene: ARPC1B (actin related protein 2/3 complex subunit 1B; plus strand). Cytogenetic location: 7q22.1.
Variant type: single nucleotide variant.
Coding change: c.266C>T on transcript NM_005720.4 (MANE Select); coding-DNA position 266, C replaced by T.
Protein change: p.Thr89Met; replaces threonine 89 with methionine.
Molecular consequence: missense variant.
Genome position (GRCh38, 1-based): chr7:99,388,135, C>T. VCF-style: chr7-99388135-C-T. GRCh37 (hg19) VCF-style: chr7-98985758-C-T.
Other names: c.266C>T (NM_005720.3); short protein forms T89M.
Identifiers: ClinVar variation 1368237 (VCV001368237.10), dbSNP rs773724710, ClinGen allele CA4363964.

ClinVar aggregate classification (germline): Uncertain significance. Review status: criteria provided, multiple submitters, no conflicts (2 of 4 stars). 3 submissions from 3 submitters: Uncertain significance (3). Last evaluated 2024-12-03.

Conditions:
Inborn genetic diseases. Identifiers: MedGen C0950123, MeSH D030342.

Allele frequency attached by ClinVar (database versions not stated): ExAC 0.00002; gnomAD exomes 0.00003; TOPMed 0.00003.
gnomAD v4.1: 20 of 1,614,064 alleles (0.0012%); highest among the groups gnomAD compares: Admixed American, 0.0017%; no homozygotes.

Submissions (3):

Ambry Genetics
Classification: Uncertain significance for Inborn genetic diseases. Last evaluated: 2024-12-03. Review status: criteria provided, single submitter. Criteria: Ambry Variant Classification Scheme 2023. Collection method: clinical testing. Allele origin: germline.

Labcorp Genetics (formerly Invitae), Labcorp
Classification: Uncertain significance. Last evaluated: 2024-11-04. Review status: criteria provided, single submitter. Criteria: Invitae Variant Classification Sherloc (09022015). Collection method: clinical testing. Allele origin: germline.
Comment: This sequence change replaces threonine, which is neutral and polar, with methionine, which is neutral and non-polar, at codon 89 of the ARPC1B protein (p.Thr89Met). This variant is present in population databases (rs773724710, gnomAD 0.005%). This variant has not been reported in the literature in individuals affected with ARPC1B-related conditions. ClinVar contains an entry for this variant (Variation ID: 1368237). Invitae Evidence Modeling of protein sequence and biophysical properties (such as structural, functional, and spatial information, amino acid conservation, physicochemical variation, residue mobility, and thermodynamic stability) indicates that this missense variant is not expected to disrupt ARPC1B protein function with a negative predictive value of 80%. In summary, the available evidence is currently insufficient to determine the role of this variant in disease. Therefore, it has been classified as a Variant of Uncertain Significance.

Blueprint Genetics
Classification: Uncertain significance. Last evaluated: 2020-02-20. Review status: criteria provided, single submitter. Criteria: ACMG Guidelines, 2015. Collection method: clinical testing. Allele origin: germline.